The following is an entry in ClinVar:

ClinVar aggregate classification (germline): Uncertain significance. Review status: criteria provided, multiple submitters, no conflicts (2 of 4 stars). 3 submissions from 3 submitters: Uncertain significance (3). Last evaluated 2025-08-29.

Conditions:
Hereditary cancer-predisposing syndrome. Also called: Neoplastic Syndromes, Hereditary; Tumor predisposition; Hereditary Cancer Syndrome; Hereditary neoplastic syndrome. Identifiers: Orphanet 140162, MedGen C0027672, MeSH D009386, MONDO:0015356.
Familial adenomatous polyposis 1 (FAP1). Also called: FAMILIAL ADENOMATOUS POLYPOSIS 1, ATTENUATED; POLYPOSIS, ADENOMATOUS INTESTINAL. Identifiers: MedGen C2713442, MONDO:0021056, OMIM 175100. Disease mechanism: loss of function.

gnomAD v4.1: 7 of 1,612,448 alleles (0.00043%); highest among the groups gnomAD compares: Non-Finnish European, 0.00059%; no homozygotes.

Submissions (3):

Ambry Genetics
Classification: Uncertain significance for Hereditary cancer-predisposing syndrome. Last evaluated: 2025-08-29. Review status: criteria provided, single submitter. Criteria: Ambry Variant Classification Scheme 2023. Collection method: clinical testing. Allele origin: germline.
Comment: The p.S246C variant (also known as c.737C>G), located in coding exon 7 of the APC gene, results from a C to G substitution at nucleotide position 737. The serine at codon 246 is replaced by cysteine, an amino acid with dissimilar properties. This amino acid position is not well conserved in available vertebrate species. In addition, in silico predictors for this gene do not accurately predict pathogenicity. Missense alterations in APC are not a common cause of disease (Spier I et al. Genet Med. 2024 Feb;26(2):100992). Based on the available evidence, the clinical significance of this variant remains unclear.

Labcorp Genetics (formerly Invitae), Labcorp
Classification: Uncertain significance for Familial adenomatous polyposis 1. Last evaluated: 2024-06-30. Review status: criteria provided, single submitter. Criteria: Invitae Variant Classification Sherloc (09022015). Collection method: clinical testing. Allele origin: germline.
Comment: This sequence change replaces serine, which is neutral and polar, with cysteine, which is neutral and slightly polar, at codon 246 of the APC protein (p.Ser246Cys). This variant is not present in population databases (gnomAD no frequency). This variant has not been reported in the literature in individuals affected with APC-related conditions. ClinVar contains an entry for this variant (Variation ID: 925819). Advanced modeling of protein sequence and biophysical properties (such as structural, functional, and spatial information, amino acid conservation, physicochemical variation, residue mobility, and thermodynamic stability) performed at Invitae indicates that this missense variant is not expected to disrupt APC protein function with a negative predictive value of 95%. In summary, the available evidence is currently insufficient to determine the role of this variant in disease. Therefore, it has been classified as a Variant of Uncertain Significance.

Color Diagnostics, LLC DBA Color Health
Classification: Uncertain significance for Hereditary cancer-predisposing syndrome. Last evaluated: 2023-12-05. Review status: criteria provided, single submitter. Criteria: ACMG Guidelines, 2015. Collection method: clinical testing. Allele origin: germline.
Comment: This missense variant replaces serine with cysteine at codon 246 of the APC protein. Computational prediction suggests that this variant may not impact protein structure and function (internally defined REVEL score threshold <= 0.5, PMID: 27666373). To our knowledge, functional studies have not been reported for this variant. This variant has not been reported in individuals affected with APC-related disorders in the literature. This variant has not been identified in the general population by the Genome Aggregation Database (gnomAD). The available evidence is insufficient to determine the role of this variant in disease conclusively. Therefore, this variant is classified as a Variant of Uncertain Significance.

NM_000038.6(APC):c.737C>G (p.Ser246Cys)

Gene: APC (APC regulator of Wnt signaling pathway; plus strand). Cytogenetic location: 5q22.2.
Variant type: single nucleotide variant.
Coding change: c.737C>G on transcript NM_000038.6 (MANE Select); coding-DNA position 737, C replaced by G.
Protein change: p.Ser246Cys; replaces serine 246 with cysteine.
Molecular consequence: missense variant. On other transcripts: 5 prime UTR variant (1).
Genome position (GRCh38, 1-based): chr5:112,801,286, C>G. VCF-style: chr5-112801286-C-G. GRCh37 (hg19) VCF-style: chr5-112136983-C-G.
Other names: c.737C>G, p.Ser246Cys (NM_001127510.3, NM_001354895.2, NM_001354896.2 and 1 more transcripts); c.683C>G, p.Ser228Cys (NM_001127511.3); c.767C>G, p.Ser256Cys (NM_001354897.2, NM_001354902.2); c.662C>G, p.Ser221Cys (NM_001354898.2, NM_001354904.2); c.653C>G, p.Ser218Cys (NM_001354899.2); c.560C>G, p.Ser187Cys (NM_001354900.2, NM_001354901.2, NM_001354905.2); c.-299C>G (NM_001354906.2); short protein forms S221C, S256C, S187C, S228C, S246C, S218C.
Identifiers: ClinVar variation 925819 (VCV000925819.10), dbSNP rs754667638, ClinGen allele CA16022943.